The following is an entry in ClinVar:

NM_000443.4(ABCB4):c.*1A>G

Gene: ABCB4 (ATP binding cassette subfamily B member 4; minus strand). Cytogenetic location: 7q21.12.
Variant type: single nucleotide variant.
Coding change: c.*1A>G on transcript NM_000443.4 (MANE Select); 1 bases downstream of the stop codon, A replaced by G.
Molecular consequence: 3 prime UTR variant.
Genome position (GRCh38, 1-based): chr7:87,402,095, T>C on the plus strand (A>G on the coding strand, the complement: ABCB4 is on the minus strand). VCF-style: chr7-87402095-T-C. GRCh37 (hg19) VCF-style: chr7-87031411-T-C.
Other names: c.*1A>G (NM_018849.3, NM_018850.3).
Identifiers: ClinVar variation 4846324 (VCV004846324.1).
Genomic context (GRCh38, chr7:87,402,095, plus strand): 5'-CAAGTCAGATAAAATGGTAGAATAATTTGAATTTATTTTTAAAATATACTGTAGCAAAAG[T>C]TCATAAGTTCTGTGTCCCAGCCTGGACACTGACCATTGAAAAATAGATGCCTTTCTGTGC-3'

ClinVar aggregate classification (germline): Uncertain significance (1 of 4 stars; one submission).

Conditions:
Familial intrahepatic cholestasis. Identifiers: Orphanet 284385, MedGen CN296401, MONDO:0017290.
Low phospholipid associated cholelithiasis (GBD1). Also called: Gallbladder disease 1; Gallstone cholecystitis. Identifiers: Orphanet 69663, MedGen C2609268, MONDO:0010939, OMIM 600803.

Submission:

Genomenon, Inc
Classification: Uncertain significance for Familial intrahepatic cholestasis; Low phospholipid associated cholelithiasis. Last evaluated: 2026-04-14. Review status: criteria provided, single submitter. Criteria: Genomenon Sequence Variant Interpretation Standards - Updated. Collection method: curation. Allele origin: germline. Affected: no.
Comment: ABCB4 c.*1A>G is a variant located in the 3′ untranslated region (3′ UTR). This variant has been reported in the published literature (PMID:30079523). It is absent or not present at a significant frequency in gnomAD. In conclusion, we classify ABCB4 c.*1A>G as a variant of uncertain significance.

Literature cited by the submitters: PubMed 30079523.